The following is an entry in ClinVar:

ClinVar aggregate classification (germline): Uncertain significance (1 of 4 stars; one submission).

gnomAD v4.1: 9 of 1,613,534 alleles (0.00056%); highest among the groups gnomAD compares: Admixed American, 0.0017%; no homozygotes.

Submission:

Women's Health and Genetics/Laboratory Corporation of America, LabCorp
Classification: Uncertain significance. Last evaluated: 2023-06-02. Review status: criteria provided, single submitter. Criteria: LabCorp Variant Classification Summary - May 2015. Collection method: clinical testing. Allele origin: germline.
Comment: Variant summary: ERCC5 c.3256G>A (p.Gly1086Arg) results in a non-conservative amino acid change in the encoded protein sequence. Four of five in-silico tools predict a damaging effect of the variant on protein function. The variant allele was found at a frequency of 8e-06 in 250506 control chromosomes (gnomAD). The available data on variant occurrences in the general population are insufficient to allow any conclusion about variant significance. To our knowledge, no occurrence of c.3256G>A in individuals affected with Xeroderma Pigmentosum and no experimental evidence demonstrating its impact on protein function have been reported. No clinical diagnostic laboratories have submitted clinical-significance assessments for this variant to ClinVar after 2014. Based on the evidence outlined above, the variant was classified as uncertain significance.

NM_000123.4(ERCC5):c.3256G>A (p.Gly1086Arg)

Genes: BIVM-ERCC5 (BIVM-ERCC5 readthrough; plus strand), ERCC5 (ERCC excision repair 5, endonuclease; plus strand). Cytogenetic location: 13q33.1.
Variant type: single nucleotide variant.
Coding change: c.3256G>A on transcript NM_000123.4 (MANE Select); coding-DNA position 3256, G replaced by A.
Protein change: p.Gly1086Arg; replaces glycine 1086 with arginine.
Molecular consequence: missense variant.
Genome position (GRCh38, 1-based): chr13:102,875,598, G>A. VCF-style: chr13-102875598-G-A. GRCh37 (hg19) VCF-style: chr13-103527948-G-A.
Other names: c.4618G>A, p.Gly1540Arg (NM_001204425.2); short protein forms G1086R, G1540R.
Identifiers: ClinVar variation 2573366 (VCV002573366.1), dbSNP rs1180157198, ClinGen allele CA388674982.